The following is an entry in ClinVar:

NM_014822.4(SEC24D):c.1269A>C (p.Glu423Asp)

Gene: SEC24D (SEC24 homolog D, COPII coat complex component; minus strand). Cytogenetic location: 4q26.
Variant type: single nucleotide variant.
Coding change: c.1269A>C on transcript NM_014822.4 (MANE Select); coding-DNA position 1269, A replaced by C.
Protein change: p.Glu423Asp; replaces glutamic acid 423 with aspartic acid.
Molecular consequence: missense variant.
Genome position (GRCh38, 1-based): chr4:118,764,829, T>G on the plus strand (A>C on the coding strand, the complement: SEC24D is on the minus strand). VCF-style: chr4-118764829-T-G. GRCh37 (hg19) VCF-style: chr4-119685984-T-G.
Other names: c.1272A>C, p.Glu424Asp (NM_001318066.2); short protein forms E423D, E424D.
Identifiers: ClinVar variation 2074506 (VCV002074506.2), dbSNP rs368390247, ClinGen allele CA3057306.

ClinVar aggregate classification (germline): Uncertain significance. Review status: criteria provided, multiple submitters, no conflicts (2 of 4 stars). 2 submissions from 2 submitters: Uncertain significance (2). Last evaluated 2022-03-26.

Conditions:
Inborn genetic diseases. Identifiers: MedGen C0950123, MeSH D030342.

Allele frequency attached by ClinVar (database versions not stated): ExAC 0.00002; gnomAD exomes 0.00003; gnomAD 0.00005; TOPMed 0.00005; ESP Exome Variant Server 0.00015.
gnomAD v4.1: 46 of 1,603,758 alleles (0.0029%); highest among the groups gnomAD compares: African/African-American, 0.011%; no homozygotes.

Submissions (2):

Labcorp Genetics (formerly Invitae), Labcorp
Classification: Uncertain significance. Last evaluated: 2022-03-26. Review status: criteria provided, single submitter. Criteria: Invitae Variant Classification Sherloc (09022015). Collection method: clinical testing. Allele origin: germline.
Comment: This sequence change replaces glutamic acid, which is acidic and polar, with aspartic acid, which is acidic and polar, at codon 423 of the SEC24D protein (p.Glu423Asp). This variant is present in population databases (rs368390247, gnomAD 0.02%). This variant has not been reported in the literature in individuals affected with SEC24D-related conditions. Algorithms developed to predict the effect of missense changes on protein structure and function are either unavailable or do not agree on the potential impact of this missense change (SIFT: "Not Available"; PolyPhen-2: "Benign"; Align-GVGD: "Not Available"). In summary, the available evidence is currently insufficient to determine the role of this variant in disease. Therefore, it has been classified as a Variant of Uncertain Significance.

Ambry Genetics
Classification: Uncertain significance for Inborn genetic diseases. Last evaluated: 2021-12-03. Review status: criteria provided, single submitter. Criteria: Ambry Variant Classification Scheme 2023. Collection method: clinical testing. Allele origin: germline.